The following is an entry in ClinVar:

ClinVar aggregate classification (germline): Uncertain significance. Review status: criteria provided, multiple submitters, no conflicts (2 of 4 stars). 2 submissions from 2 submitters: Uncertain significance (2). Last evaluated 2024-12-15.

Conditions:
Autosomal recessive nonsyndromic hearing loss 2. Also called: DEAFNESS, AUTOSOMAL RECESSIVE 2; NEUROSENSORY NONSYNDROMIC RECESSIVE DEAFNESS 2. Identifiers: Orphanet 90636, MedGen C1838701, MONDO:0010807, OMIM 600060.

Submissions (2):

Laboratory of Prof. Karen Avraham, Tel Aviv University
Classification: Uncertain significance for Autosomal recessive nonsyndromic hearing loss 2. Last evaluated: 2024-12-15. Review status: criteria provided, single submitter. Criteria: ACMG Guidelines, 2015. Collection method: research. Allele origin: germline. Affected: yes. Observed: 1 variant allele.
Comment: The MYO7A c.535A>G:p.(Ser179Gly) variant, predicted deleterioos, is very rare. Both genes are known to be involved in NSHL as well as in USH syndrome. ;

Labcorp Genetics (formerly Invitae), Labcorp
Classification: Uncertain significance. Last evaluated: 2024-07-23. Review status: criteria provided, single submitter. Criteria: Invitae Variant Classification Sherloc (09022015). Collection method: clinical testing. Allele origin: germline.
Comment: This sequence change replaces serine, which is neutral and polar, with glycine, which is neutral and non-polar, at codon 179 of the MYO7A protein (p.Ser179Gly). This variant is not present in population databases (gnomAD no frequency). This variant has not been reported in the literature in individuals affected with MYO7A-related conditions. Advanced modeling of protein sequence and biophysical properties (such as structural, functional, and spatial information, amino acid conservation, physicochemical variation, residue mobility, and thermodynamic stability) has been performed at Invitae for this missense variant, however the output from this modeling did not meet the statistical confidence thresholds required to predict the impact of this variant on MYO7A protein function. In summary, the available evidence is currently insufficient to determine the role of this variant in disease. Therefore, it has been classified as a Variant of Uncertain Significance.

NM_000260.4(MYO7A):c.535A>G (p.Ser179Gly)

Gene: MYO7A (myosin VIIA; plus strand). Cytogenetic location: 11q13.5.
Variant type: single nucleotide variant.
Coding change: c.535A>G on transcript NM_000260.4 (MANE Select); coding-DNA position 535, A replaced by G.
Protein change: p.Ser179Gly; replaces serine 179 with glycine.
Molecular consequence: missense variant.
Genome position (GRCh38, 1-based): chr11:77,156,724, A>G. VCF-style: chr11-77156724-A-G. GRCh37 (hg19) VCF-style: chr11-76867770-A-G.
Other names: DFNB2; c.535A>G, p.Ser179Gly (NM_001127180.2); c.502A>G, p.Ser168Gly (NM_001369365.1); short protein forms S168G, S179G.
Identifiers: ClinVar variation 3393388 (VCV003393388.3).